The following is an entry in ClinVar:

ClinVar aggregate classification (germline): Uncertain significance (1 of 4 stars; one submission).

Conditions:
Dystonic disorder. Also called: Dystonia. Identifiers: MedGen C0013421, MONDO:0003441, HP:0001332.

Submission:

Labcorp Genetics (formerly Invitae), Labcorp
Classification: Uncertain significance for Dystonic disorder. Last evaluated: 2019-03-04. Review status: criteria provided, single submitter. Criteria: Invitae Variant Classification Sherloc (09022015). Collection method: clinical testing. Allele origin: germline.
Comment: In summary, the available evidence is currently insufficient to determine the role of this variant in disease. Therefore, it has been classified as a Variant of Uncertain Significance. Algorithms developed to predict the effect of sequence changes on RNA splicing suggest that this variant may create or strengthen a splice site, but this prediction has not been confirmed by published transcriptional studies. This variant has not been reported in the literature in individuals with CIZ1-related conditions. This variant is not present in population databases (ExAC no frequency). This sequence change affects codon 514 of the CIZ1 mRNA. It is a 'silent' change, meaning that it does not change the encoded amino acid sequence of the CIZ1 protein.

NM_001131016.2(CIZ1):c.1542C>T (p.Ser514=)

Gene: CIZ1 (CDKN1A interacting zinc finger protein 1; minus strand). Cytogenetic location: 9q34.11.
Variant type: single nucleotide variant.
Coding change: c.1542C>T on transcript NM_001131016.2 (MANE Select); coding-DNA position 1542, C replaced by T.
Protein change: p.Ser514=; no amino-acid change (serine 514 retained).
Molecular consequence: synonymous variant.
Genome position (GRCh38, 1-based): chr9:128,178,447, G>A on the plus strand (C>T on the coding strand, the complement: CIZ1 is on the minus strand). VCF-style: chr9-128178447-G-A. GRCh37 (hg19) VCF-style: chr9-130940726-G-A.
Other names: c.1374C>T, p.Ser458= (NM_001131015.2); c.1359C>T, p.Ser453= (NM_001131017.2); c.1302C>T, p.Ser434= (NM_001131018.2); c.1632C>T, p.Ser544= (NM_001257975.2); c.1239C>T, p.Ser413= (NM_001257976.2); c.1542C>T, p.Ser514= (NM_012127.3).
Identifiers: ClinVar variation 839430 (VCV000839430.9), dbSNP rs1831145310, ClinGen allele CA467286000.